The following is an entry in ClinVar:

NM_000038.6(APC):c.476_488del (p.Tyr158_Tyr159insTer)

Gene: APC (APC regulator of Wnt signaling pathway; plus strand). Cytogenetic location: 5q22.2.
Variant type: Deletion.
Coding change: c.476_488del on transcript NM_000038.6 (MANE Select); coding-DNA positions 476 to 488, 13 bases deleted (ACGCTCAACTTCA).
Protein change: p.Tyr158_Tyr159insTer.
Molecular consequence: nonsense. On other transcripts: 5 prime UTR variant (1).
Genome position (GRCh38, 1-based): chr5:112,775,682-112,775,694, ACGCTCAACTTCA deleted. VCF-style (leftmost placement, unchanged base first): chr5-112775681-TACGCTCAACTTCA-T. GRCh37 (hg19) VCF-style: chr5-112111378-TACGCTCAACTTCA-T.
Other names: c.476_488del, p.Tyr158_Tyr159insTer (NM_001354903.2, NM_001127510.3, NM_001354895.2 and 2 more transcripts); c.401_413del, p.Tyr133_Tyr134insTer (NM_001354904.2, NM_001354898.2); c.299_311del, p.Tyr99_Tyr100insTer (NM_001354905.2, NM_001354900.2, NM_001354901.2); c.-560_-548del (NM_001354906.2); c.506_518del, p.Tyr168_Tyr169insTer (NM_001127511.3, NM_001354897.2, NM_001354902.2).
Identifiers: ClinVar variation 1072211 (VCV001072211.17), dbSNP rs2149615315, ClinGen allele CA2499217426.

ClinVar aggregate classification (germline): Pathogenic. Review status: criteria provided, multiple submitters, no conflicts (2 of 4 stars). 4 submissions from 4 submitters: Pathogenic (4). Last evaluated 2026-01-18.

Conditions:
Hereditary cancer-predisposing syndrome. Also called: Tumor predisposition; Hereditary neoplastic syndrome; Neoplastic Syndromes, Hereditary; Hereditary Cancer Syndrome. Identifiers: Orphanet 140162, MedGen C0027672, MeSH D009386, MONDO:0015356.
Familial adenomatous polyposis 1 (FAP1). Also called: POLYPOSIS, ADENOMATOUS INTESTINAL; FAMILIAL ADENOMATOUS POLYPOSIS 1, ATTENUATED. Identifiers: MedGen C2713442, MONDO:0021056, OMIM 175100. Disease mechanism: loss of function.

Submissions (4):

Labcorp Genetics (formerly Invitae), Labcorp
Classification: Pathogenic for Familial adenomatous polyposis 1. Last evaluated: 2026-01-18. Review status: criteria provided, single submitter. Criteria: Invitae Variant Classification Sherloc (09022015). Collection method: clinical testing. Allele origin: germline.
Comment: This sequence change creates a premature translational stop signal (p.Tyr159*) in the APC gene. It is expected to result in an absent or disrupted protein product. Loss-of-function variants in APC are known to be pathogenic (PMID: 17963004, 20685668). This variant is not present in population databases (gnomAD no frequency). This variant has not been reported in the literature in individuals affected with APC-related conditions. ClinVar contains an entry for this variant (Variation ID: 1072211). RNA analysis performed to evaluate the impact of this premature translational stop signal on mRNA splicing indicates it does not significantly alter splicing (internal data). For these reasons, this variant has been classified as Pathogenic.

Ambry Genetics
Classification: Pathogenic for Hereditary cancer-predisposing syndrome. Last evaluated: 2024-11-25. Review status: criteria provided, single submitter. Criteria: Ambry Variant Classification Scheme 2023. Collection method: clinical testing. Allele origin: germline.
Comment: The c.476_488del13 pathogenic mutation, located in coding exon 4 of the APC gene, results from a deletion of 13 nucleotides at nucleotide positions 476 to 488, causing a translational frameshift with a predicted alternate stop codon (p.Y159*). Another alteration resulting in the same stop codon (c.477C>A) was identified in an individual with familial adenomatous polyposis and papillary thyroid cancer (Uchino S et al. J Clin Endocrinol Metab. 2016 12;101:4611-4617). This variant is considered to be rare based on population cohorts in the Genome Aggregation Database (gnomAD). This alteration is expected to result in loss of function by premature protein truncation or nonsense-mediated mRNA decay. As such, this alteration is interpreted as a disease-causing mutation.

Myriad Genetics, Inc.
Classification: Pathogenic for Familial adenomatous polyposis 1. Last evaluated: 2023-04-26. Review status: criteria provided, single submitter. Criteria: Myriad Autosomal Dominant, Autosomal Recessive and X-Linked Classification Criteria (2023). Collection method: clinical testing. Allele origin: unknown.
Comment: This variant is considered pathogenic. This variant creates a termination codon and is predicted to result in premature protein truncation.

ARUP Laboratories, Molecular Genetics and Genomics, ARUP Laboratories
Classification: Pathogenic. Last evaluated: 2022-02-14. Review status: criteria provided, single submitter. Criteria: ARUP Molecular Germline Variant Investigation Process 2021. Collection method: clinical testing. Allele origin: germline.
Comment: The APC c.476_488del; p.Tyr159Ter variant, to our knowledge, is not reported in the medical literature but is reported in ClinVar (Variation ID: 1072211). This variant is absent from general population databases (Exome Variant Server, Genome Aggregation Database), indicating it is not a common polymorphism. This variant deletes 13 nucleotides, induces an early termination codon, and is predicted to result in a truncated protein or mRNA subject to nonsense-mediated decay. Other variants causing the same early termination at this codon (c.477C>A; p.Tyr159Ter and c.477C>G; p.Tyr159Ter) have been reported in individuals with familial adenomatous polyposis and are considered pathogenic (Marshall 1996, Uchino 2016). Based on available information, the c.476_488del variant is considered to be pathogenic. References: Marshall et al. Three novel APC gene mutations in Portuguese FAP kindreds. Hum Mutat. 1996;8(4):395-6. PMID: 8956059. Uchino et al. Age- and Gender-Specific Risk of Thyroid Cancer in Patients With Familial Adenomatous Polyposis. J Clin Endocrinol Metab. 2016 Dec;101(12):4611-4617. PMID: 27623068.

Literature cited by the submitters: PubMed 17963004 (cited by Labcorp Genetics (formerly Invitae), Labcorp); PubMed 20685668 (cited by Labcorp Genetics (formerly Invitae), Labcorp); PubMed 27623068 (cited by Ambry Genetics).